The following is an entry in ClinVar:

NM_000550.3(TYRP1):c.869G>T (p.Cys290Phe)

Gene: TYRP1 (tyrosinase related protein 1; plus strand). Cytogenetic location: 9p23.
Variant type: single nucleotide variant.
Coding change: c.869G>T on transcript NM_000550.3 (MANE Select); coding-DNA position 869, G replaced by T.
Protein change: p.Cys290Phe; replaces cysteine 290 with phenylalanine.
Molecular consequence: missense variant.
Genome position (GRCh38, 1-based): chr9:12,698,611, G>T. VCF-style: chr9-12698611-G-T. GRCh37 (hg19) VCF-style: chr9-12698611-G-T.
Other names: short protein forms C290F.
Identifiers: ClinVar variation 1942633 (VCV001942633.3), dbSNP rs1464392642, ClinGen allele CA372940050.

ClinVar aggregate classification (germline): Uncertain significance (1 of 4 stars; one submission).

gnomAD v4.1: 11 of 1,613,694 alleles (0.00068%); highest among the groups gnomAD compares: Admixed American, 0.018%; no homozygotes.

Submission:

Labcorp Genetics (formerly Invitae), Labcorp
Classification: Uncertain significance. Last evaluated: 2022-03-09. Review status: criteria provided, single submitter. Criteria: Invitae Variant Classification Sherloc (09022015). Collection method: clinical testing. Allele origin: germline.
Comment: This variant has not been reported in the literature in individuals affected with TYRP1-related conditions. In summary, the available evidence is currently insufficient to determine the role of this variant in disease. Therefore, it has been classified as a Variant of Uncertain Significance. Algorithms developed to predict the effect of missense changes on protein structure and function (SIFT, PolyPhen-2, Align-GVGD) all suggest that this variant is likely to be tolerated. This variant is present in population databases (no rsID available, gnomAD 0.009%). This sequence change replaces cysteine, which is neutral and slightly polar, with phenylalanine, which is neutral and non-polar, at codon 290 of the TYRP1 protein (p.Cys290Phe).